The following is an entry in ClinVar:

ClinVar aggregate classification (germline): Uncertain significance. Review status: criteria provided, multiple submitters, no conflicts (2 of 4 stars). 2 submissions from 2 submitters: Uncertain significance (2). Last evaluated 2024-08-04.

Conditions:
Muscle AMP deaminase deficiency (MMDD). Also called: AMPD1 DEFICIENCY; ADENOSINE MONOPHOSPHATE DEAMINASE-1 DEFICIENCY, MYOPATHY DUE TO; Myoadenylate deaminase deficiency, myopathy due to; Adenosine monophosphate deaminase 1 deficiency; AMP deaminase 1 deficiency; Adenosine Monophosphate Deaminase 1. Identifiers: Orphanet 45, MedGen C3714933, MONDO:0014220, OMIM 615511.
Inborn genetic diseases. Identifiers: MedGen C0950123, MeSH D030342.

gnomAD v4.1: 18 of 1,611,644 alleles (0.0011%); highest among the groups gnomAD compares: Admixed American, 0.028%; 1 homozygote.

Submissions (2):

Ambry Genetics
Classification: Uncertain significance for Inborn genetic diseases. Last evaluated: 2024-08-04. Review status: criteria provided, single submitter. Criteria: Ambry Variant Classification Scheme 2023. Collection method: clinical testing. Allele origin: germline.

Labcorp Genetics (formerly Invitae), Labcorp
Classification: Uncertain significance for Muscle AMP deaminase deficiency. Last evaluated: 2022-08-10. Review status: criteria provided, single submitter. Criteria: Invitae Variant Classification Sherloc (09022015). Collection method: clinical testing. Allele origin: germline.
Comment: This sequence change replaces proline, which is neutral and non-polar, with leucine, which is neutral and non-polar, at codon 693 of the AMPD1 protein (p.Pro693Leu). This variant is present in population databases (rs267597931, gnomAD 0.04%). This variant has not been reported in the literature in individuals affected with AMPD1-related conditions. ClinVar contains an entry for this variant (Variation ID: 1428346). Algorithms developed to predict the effect of missense changes on protein structure and function are either unavailable or do not agree on the potential impact of this missense change (SIFT: "Deleterious"; PolyPhen-2: "Probably Damaging"; Align-GVGD: "Class C15"). In summary, the available evidence is currently insufficient to determine the role of this variant in disease. Therefore, it has been classified as a Variant of Uncertain Significance.

NM_000036.3(AMPD1):c.1979C>T (p.Pro660Leu)

Gene: AMPD1 (adenosine monophosphate deaminase 1; minus strand). Cytogenetic location: 1p13.2.
Variant type: single nucleotide variant.
Coding change: c.1979C>T on transcript NM_000036.3 (MANE Select); coding-DNA position 1979, C replaced by T.
Protein change: p.Pro660Leu; replaces proline 660 with leucine.
Molecular consequence: missense variant.
Genome position (GRCh38, 1-based): chr1:114,673,745, G>A on the plus strand (C>T on the coding strand, the complement: AMPD1 is on the minus strand). VCF-style: chr1-114673745-G-A. GRCh37 (hg19) VCF-style: chr1-115216366-G-A.
Other names: c.1967C>T, p.Pro656Leu (NM_001172626.2); short protein forms P656L, P660L.
Identifiers: ClinVar variation 1428346 (VCV001428346.4), dbSNP rs267597931, ClinGen allele CA1019951.